The following is an entry in ClinVar:

NM_001386795.1(DTNA):c.187C>G (p.Arg63Gly)

Gene: DTNA (dystrobrevin alpha; plus strand). Cytogenetic location: 18q12.1.
Variant type: single nucleotide variant.
Coding change: c.187C>G on transcript NM_001386795.1 (MANE Select); coding-DNA position 187, C replaced by G.
Protein change: p.Arg63Gly; replaces arginine 63 with glycine.
Molecular consequence: missense variant.
Genome position (GRCh38, 1-based): chr18:34,794,075, C>G. VCF-style: chr18-34794075-C-G. GRCh37 (hg19) VCF-style: chr18-32374039-C-G.
Other names: c.187C>G, p.Arg63Gly (NM_001128175.2, NM_001198938.2, NM_001198939.2 and 35 more transcripts); short protein forms R63G.
Identifiers: ClinVar variation 937546 (VCV000937546.10), dbSNP rs773407468, ClinGen allele CA402274843.

ClinVar aggregate classification (germline): Uncertain significance (1 of 4 stars; one submission).

Conditions:
Left ventricular noncompaction 1 (LVNC1). Also called: LEFT VENTRICULAR NONCOMPACTION 1 WITH OR WITHOUT CONGENITAL HEART DEFECTS. Identifiers: Orphanet 54260, MedGen C1858725, MONDO:0011403, OMIM 604169.

Submission:

Labcorp Genetics (formerly Invitae), Labcorp
Classification: Uncertain significance for Left ventricular noncompaction 1. Last evaluated: 2019-08-01. Review status: criteria provided, single submitter. Criteria: Invitae Variant Classification Sherloc (09022015). Collection method: clinical testing. Allele origin: germline.
Comment: In summary, the available evidence is currently insufficient to determine the role of this variant in disease. Therefore, it has been classified as a Variant of Uncertain Significance. This sequence change replaces arginine with glycine at codon 63 of the DTNA protein (p.Arg63Gly). The arginine residue is highly conserved and there is a moderate physicochemical difference between arginine and glycine. This variant is not present in population databases (ExAC no frequency). This variant has not been reported in the literature in individuals with DTNA-related conditions. Algorithms developed to predict the effect of missense changes on protein structure and function (SIFT, PolyPhen-2, Align-GVGD) all suggest that this variant is likely to be disruptive, but these predictions have not been confirmed by published functional studies and their clinical significance is uncertain.